The following is an entry in ClinVar:

ClinVar aggregate classification (germline): Pathogenic. Review status: criteria provided, multiple submitters, no conflicts (2 of 4 stars). 7 submissions from 7 submitters: Pathogenic (6). 1 of the submissions does not count toward it. Last evaluated 2025-06-25.

Conditions:
Spinocerebellar ataxia type 5 (SCA5). Identifiers: Orphanet 98766, MedGen C0752123, MONDO:0010848, OMIM 600224.

Submissions (7):

Variantyx, Inc.
Classification: Pathogenic for Spinocerebellar ataxia type 5. Last evaluated: 2025-06-25. Review status: criteria provided, single submitter. Criteria: Variantyx Assertion Criteria 2022. Collection method: clinical testing. Allele origin: germline. Inheritance: Autosomal dominant inheritance. Affected: yes.
Comment: This is an inframe substitution variant in the SPTBN2 gene (OMIM: 604985). Pathogenic variants in this gene have been associated with autosomal dominant spinocerebellar ataxia 5. This variant causes an in-frame deletion of 13 amino acids at position 32-44 of the SPTBN2 protein (PM4). It has been reported in at least one affected individual (PMID: 16429157) (PS4 )and shown to segregate with disease in at least 50 individuals from the same family (PMID: 16429157) (PP1). Functional studies have shown that this variant alters SPTBN2 protein function (PMID: 16429157, 25057192, 20368622) (PS3). This variant is absent from control populations (PM2). Based on the current evidence, this variant is classified as pathogenic for autosomal dominant spinocerebellar ataxia 5.

Labcorp Genetics (formerly Invitae), Labcorp
Classification: Pathogenic. Last evaluated: 2024-06-23. Review status: criteria provided, single submitter. Criteria: Invitae Variant Classification Sherloc (09022015). Collection method: clinical testing. Allele origin: germline.
Comment: This variant, c.1596_1634del, results in the deletion of 13 amino acid(s) of the SPTBN2 protein (p.Glu532_Met544del), but otherwise preserves the integrity of the reading frame. This variant is not present in population databases (gnomAD no frequency). This variant has been observed in individual(s) with autosomal dominant spinal cerebellar ataxia type 5 (PMID: 16429157). It has also been observed to segregate with disease in related individuals. ClinVar contains an entry for this variant (Variation ID: 448482). Algorithms developed to predict the effect of variants on gene product structure and function are not available or were not evaluated for this variant. Experimental studies have shown that this variant affects SPTBN2 function (PMID: 25057192). For these reasons, this variant has been classified as Pathogenic.

GeneDx
Classification: Pathogenic. Last evaluated: 2023-12-04. Review status: criteria provided, single submitter. Criteria: GeneDx Variant Classification Process June 2021. Collection method: clinical testing. Allele origin: germline. Affected: yes.
Comment: Published functional studies demonstrate a damaging effect as this in-frame deletion causes deficits in synapse formation at the neuromuscular junction, disrupts vesicular trafficking, and impacts function and stabilization of key proteins in Purkinje cells (PMID: 25057192, 16429157, 20368622); In-frame deletion of 13 amino acids in a non-repeat region; Not observed at significant frequency in large population cohorts (gnomAD); In silico analysis supports a deleterious effect on protein structure/function; This variant is associated with the following publications: (PMID: 33801522, 25057192, 20368622, 16429157)

Women's Health and Genetics/Laboratory Corporation of America, LabCorp
Classification: Pathogenic for Spinocerebellar ataxia type 5. Last evaluated: 2022-11-25. Review status: criteria provided, single submitter. Criteria: LabCorp Variant Classification Summary - May 2015. Collection method: clinical testing. Allele origin: germline.
Comment: Variant summary: SPTBN2 c.1596_1634del39 (p.Glu532_Met544del) results in an in-frame deletion that is predicted to remove 13 amino acids from the encoded protein. The variant was absent in 236106 control chromosomes. c.1596_1634del39 has been reported in the literature in multiple individuals affected with Spinocerebellar Ataxia 5 from a large 11-generation American kindred (example, Ikeda_2006). These data indicate that the variant is very likely to be associated with disease. At two publications report experimental evidence evaluating an impact on protein function demonstrating, 1. disruption of the normal stabilization of the glutamate transporter EAAT4 at the plasma membrane and 2. a mouse model with features consistent to pathophysiology of human disease (example, Ikeda_2006, Armbrust_2014). Three clinical diagnostic laboratories have submitted clinical-significance assessments for this variant to ClinVar after 2014 without evidence for independent evaluation. All laboratories classified the variant as pathogenic. Based on the evidence outlined above, the variant was classified as pathogenic.

Athena Diagnostics
Classification: Pathogenic. Last evaluated: 2022-11-16. Review status: criteria provided, single submitter. Criteria: Athena Diagnostics Criteria. Collection method: clinical testing. Allele origin: unknown.
Comment: This variant has not been reported in large, multi-ethnic general populations. In multiple families, this variant segregates with spinocerebellar ataxia in an autosomal dominant manner. Assessment of experimental evidence suggests this variant results in abnormal protein function. Studies show that this variant interferes with beta-III spectrin stabilization of glutamate transporters and receptors (PMID: 16429157, 20368622, 25057192).

Genetic Services Laboratory, University of Chicago
Classification: Pathogenic. Last evaluated: 2018-02-20. Review status: criteria provided, single submitter. Criteria: ACMG Guidelines, 2015. Collection method: clinical testing. Allele origin: germline. Affected: yes.

OMIM
Classification: Pathogenic for SPINOCEREBELLAR ATAXIA 5. Last evaluated: 2006-02-01. Review status: no assertion criteria provided. Collection method: literature only. Allele origin: germline. Not counted in ClinVar's aggregate classification.

Literature cited by the submitters: PubMed 16429157 (cited by 5 submitters); PubMed 25057192 (cited by 4 submitters); PubMed 20368622 (cited by Variantyx, Inc. and Athena Diagnostics); PubMed 33801522 (cited by Women's Health and Genetics/Laboratory Corporation of America, LabCorp).

NM_006946.4(SPTBN2):c.1596_1634del (p.Glu532_Met544del)

Gene: SPTBN2 (spectrin beta, non-erythrocytic 2; minus strand). Cytogenetic location: 11q13.2.
Variant type: Deletion.
Coding change: c.1596_1634del on transcript NM_006946.4 (MANE Select); coding-DNA positions 1596 to 1634, 39 bases deleted.
Protein change: p.Glu532_Met544del.
Molecular consequence: inframe deletion.
Genome position (GRCh38, 1-based): chr11:66,707,535-66,707,573, 39 bases deleted; deleting any 39 consecutive bases within chr11:66,707,535-66,707,577 gives the same sequence; the c. name uses the placement nearest the transcript's 3' end. GRCh37 (hg19): chr11:66,475,010-66,475,048.
Other names: c.1596_1634del39 (NM_006946.2).
Identifiers: ClinVar variation 448482 (VCV000448482.18), dbSNP rs1554985851, ClinGen allele CA658658074.